The following is an entry in ClinVar:

ClinVar aggregate classification (germline): Pathogenic (0 of 4 stars; one submission).

Conditions:
Polycystic kidney disease, adult type (PKD1). Also called: POLYCYSTIC KIDNEY DISEASE 1 WITH OR WITHOUT POLYCYSTIC LIVER DISEASE; POLYCYSTIC KIDNEY DISEASE, ADULT, TYPE I; Polycystic Kidney Disease 1, Autosomal Dominant; Polycystic kidney disease 1; Polycystic kidney disease 1, severe; Polycystic Kidney, Autosomal Dominant. Identifiers: MedGen C3149841, MONDO:0008263, OMIM 173900.

Submission:

Fulgent Genetics
Classification: Pathogenic for Polycystic kidney disease, adult type. Review status: no assertion criteria provided. Collection method: clinical testing. Allele origin: unknown.
Comment: This variant has been detected in individual(s) who were sent for testing of Renasight - kidney gene panel.

GRCh37/hg19 16p13.3(chr16:2089795-2185919)

Genes: MIR1225 (microRNA 1225; minus strand), NTHL1 (nth like DNA glycosylase 1; minus strand), PKD1 (polycystin 1, transient receptor potential channel interacting; minus strand), TSC2 (TSC complex subunit 2; plus strand). Cytogenetic location: 16p13.3.
Variant type: copy number loss.
Identifiers: ClinVar variation 1179116 (VCV001179116.2).